The following is an entry in ClinVar:

NM_020631.6(PLEKHG5):c.2635G>A (p.Glu879Lys)

Gene: PLEKHG5 (pleckstrin homology and RhoGEF domain containing G5; minus strand). Cytogenetic location: 1p36.31.
Variant type: single nucleotide variant.
Coding change: c.2635G>A on transcript NM_020631.6 (MANE Select); coding-DNA position 2635, G replaced by A.
Protein change: p.Glu879Lys; replaces glutamic acid 879 with lysine.
Molecular consequence: missense variant.
Genome position (GRCh38, 1-based): chr1:6,468,201, C>T on the plus strand (G>A on the coding strand, the complement: PLEKHG5 is on the minus strand). VCF-style: chr1-6468201-C-T. GRCh37 (hg19) VCF-style: chr1-6528261-C-T.
Other names: p.Glu879Lys; c.2746G>A, p.Glu916Lys (NM_001042663.3, NM_001265592.2); c.2635G>A, p.Glu879Lys (NM_001042664.2, NM_001042665.2, NM_001265594.3 and 1 more transcripts); c.2842G>A, p.Glu948Lys (NM_001265593.2); short protein forms E879K, E916K, E948K.
Identifiers: ClinVar variation 3380668 (VCV003380668.1).

ClinVar aggregate classification (germline): Uncertain significance (1 of 4 stars; one submission).

gnomAD v4.1: 10 of 1,575,926 alleles (0.00063%); highest among the groups gnomAD compares: Admixed American, 0.007%; no homozygotes.

Submission:

Mayo Clinic Laboratories, Mayo Clinic
Classification: Uncertain significance. Last evaluated: 2023-12-12. Review status: criteria provided, single submitter. Criteria: ACMG Guidelines, 2015. Collection method: clinical testing. Allele origin: germline. Observed: 1 variant allele.
Comment: PM2_moderate